The following is an entry in ClinVar:

NM_001370298.3(FGD4):c.1344A>T (p.Glu448Asp)

Gene: FGD4 (FYVE, RhoGEF and PH domain containing 4; plus strand). Cytogenetic location: 12p11.21.
Variant type: single nucleotide variant.
Coding change: c.1344A>T on transcript NM_001370298.3 (MANE Select); coding-DNA position 1344, A replaced by T.
Protein change: p.Glu448Asp; replaces glutamic acid 448 with aspartic acid.
Molecular consequence: missense variant. On other transcripts: 5 prime UTR variant (1).
Genome position (GRCh38, 1-based): chr12:32,602,257, A>T. VCF-style: chr12-32602257-A-T. GRCh37 (hg19) VCF-style: chr12-32755191-A-T.
Other names: c.1188A>T, p.Glu396Asp (NM_001304481.2); c.189A>T, p.Glu63Asp (NM_001304483.2); c.-119A>T (NM_001304484.2); c.654A>T, p.Glu218Asp (NM_001330373.2, NM_001330374.2, NM_001384130.1); c.381A>T, p.Glu127Asp (NM_001370297.1); c.1344A>T, p.Glu448Asp (NM_001384126.1); c.933A>T, p.Glu311Asp (NM_001384127.1, NM_001384128.1, NM_001385118.1 and 1 more transcripts); short protein forms E127D, E218D, E311D, E396D, E448D, E63D.
Identifiers: ClinVar variation 2417159 (VCV002417159.6), dbSNP rs1160194150, ClinGen allele CA384358788.
Genomic context (GRCh38, chr12:32,602,257, plus strand): 5'-ATTGGCACCATTCCTTAAGATGTATGGAGAATATGTGAAAGGATTTGATAATGCAATGGA[A>T]TTGGTTAAAAACATGACAGAACGTATTCCCCAGTTCAAATCAGTGGTTGAAGAAATTCAG-3'
Protein context (NP_001357227.2, residues 438-458): EYVKGFDNAM[Glu448Asp]LVKNMTERIP

ClinVar aggregate classification (germline): Uncertain significance (1 of 4 stars; one submission).

Conditions:
Charcot-Marie-Tooth disease type 4. Also called: Charcot-Marie-Tooth, Type 4; Charcot-Marie-Tooth disease, type IV. Identifiers: Orphanet 64749, MedGen C4082197, MONDO:0018995.

Submission:

Labcorp Genetics (formerly Invitae), Labcorp
Classification: Uncertain significance for Charcot-Marie-Tooth disease type 4. Last evaluated: 2022-04-15. Review status: criteria provided, single submitter. Criteria: Invitae Variant Classification Sherloc (09022015). Collection method: clinical testing. Allele origin: germline.
Comment: In summary, the available evidence is currently insufficient to determine the role of this variant in disease. Therefore, it has been classified as a Variant of Uncertain Significance. Algorithms developed to predict the effect of missense changes on protein structure and function are either unavailable or do not agree on the potential impact of this missense change (SIFT: "Deleterious"; PolyPhen-2: "Benign"; Align-GVGD: "Class C35"). This sequence change replaces glutamic acid, which is acidic and polar, with aspartic acid, which is acidic and polar, at codon 311 of the FGD4 protein (p.Glu311Asp). This variant is not present in population databases (gnomAD no frequency). This variant has not been reported in the literature in individuals affected with FGD4-related conditions.